The following is an entry in ClinVar:

NM_004369.4(COL6A3):c.7936G>C (p.Val2646Leu)

Gene: COL6A3 (collagen type VI alpha 3 chain; minus strand). Cytogenetic location: 2q37.3.
Variant type: single nucleotide variant.
Coding change: c.7936G>C on transcript NM_004369.4 (MANE Select); coding-DNA position 7936, G replaced by C.
Protein change: p.Val2646Leu; replaces valine 2646 with leucine.
Molecular consequence: missense variant.
Genome position (GRCh38, 1-based): chr2:237,340,980, C>G on the plus strand (G>C on the coding strand, the complement: COL6A3 is on the minus strand). VCF-style: chr2-237340980-C-G. GRCh37 (hg19) VCF-style: chr2-238249623-C-G.
Other names: c.6115G>C, p.Val2039Leu (NM_057166.5); c.7318G>C, p.Val2440Leu (NM_057167.4); short protein forms V2039L, V2440L, V2646L.
Identifiers: ClinVar variation 1302262 (VCV001302262.13), dbSNP rs1419214464, ClinGen allele CA351197182.

ClinVar aggregate classification (germline): Uncertain significance. Review status: criteria provided, multiple submitters, no conflicts (2 of 4 stars). 3 submissions from 3 submitters: Uncertain significance (3). Last evaluated 2025-08-28.

Conditions:
Inborn genetic diseases. Identifiers: MedGen C0950123, MeSH D030342.
Bethlem myopathy 1A. Also called: Bethlem myopathy 1; MYOPATHY, BENIGN CONGENITAL, WITH CONTRACTURES; Bethlem Muscular Dystrophy. Identifiers: Orphanet 610, MedGen CN029274, MONDO:0024530, OMIM 158810.

gnomAD v4.1: 10 of 1,614,138 alleles (0.00062%); highest among the groups gnomAD compares: Non-Finnish European, 0.00068%; no homozygotes.

Submissions (3):

Ambry Genetics
Classification: Uncertain significance for Inborn genetic diseases. Last evaluated: 2025-08-28. Review status: criteria provided, single submitter. Criteria: Ambry Variant Classification Scheme 2023. Collection method: clinical testing. Allele origin: germline.

Labcorp Genetics (formerly Invitae), Labcorp
Classification: Uncertain significance for Bethlem myopathy 1A. Last evaluated: 2022-10-09. Review status: criteria provided, single submitter. Criteria: Invitae Variant Classification Sherloc (09022015). Collection method: clinical testing. Allele origin: germline.
Comment: Advanced modeling of protein sequence and biophysical properties (such as structural, functional, and spatial information, amino acid conservation, physicochemical variation, residue mobility, and thermodynamic stability) performed at Invitae indicates that this missense variant is not expected to disrupt COL6A3 protein function. This sequence change replaces valine, which is neutral and non-polar, with leucine, which is neutral and non-polar, at codon 2646 of the COL6A3 protein (p.Val2646Leu). This variant is present in population databases (no rsID available, gnomAD 0.0009%). This variant has not been reported in the literature in individuals affected with COL6A3-related conditions. ClinVar contains an entry for this variant (Variation ID: 1302262). In summary, the available evidence is currently insufficient to determine the role of this variant in disease. Therefore, it has been classified as a Variant of Uncertain Significance.

GeneDx
Classification: Uncertain significance. Last evaluated: 2019-04-05. Review status: criteria provided, single submitter. Criteria: GeneDx Variant Classification Process June 2021. Collection method: clinical testing. Allele origin: germline. Affected: yes.
Comment: Has not been previously published as pathogenic or benign to our knowledge; Not observed at a significant frequency in large population cohorts (Lek et al., 2016); In silico analysis, which includes protein predictors and evolutionary conservation, supports that this variant does not alter protein structure/function